The following is an entry in ClinVar:

NM_001458.5(FLNC):c.5999A>C (p.His2000Pro)

Genes: FLNC (filamin C; plus strand), FLNC-AS1 (FLNC antisense RNA 1; minus strand). Cytogenetic location: 7q32.1.
Variant type: single nucleotide variant.
Coding change: c.5999A>C on transcript NM_001458.5 (MANE Select); coding-DNA position 5999, A replaced by C.
Protein change: p.His2000Pro; replaces histidine 2000 with proline.
Molecular consequence: missense variant.
Genome position (GRCh38, 1-based): chr7:128,852,747, A>C. VCF-style: chr7-128852747-A-C. GRCh37 (hg19) VCF-style: chr7-128492801-A-C.
Other names: c.5999A>C (NM_001458.4); c.5900A>C, p.His1967Pro (NM_001127487.2); short protein forms H2000P, H1967P.
Identifiers: ClinVar variation 1038696 (VCV001038696.11), dbSNP rs572095826, ClinGen allele CA4475848.

ClinVar aggregate classification (germline): Conflicting classifications of pathogenicity. Review status: criteria provided, conflicting classifications (1 of 4 stars). 2 submissions from 2 submitters: Uncertain significance (1); Likely benign (1). Last evaluated 2025-09-10.

Conditions:
Hypertrophic cardiomyopathy 26. Also called: Cardiomyopathy, familial hypertrophic, 26. Identifiers: Orphanet 75249, MedGen C4310749, MONDO:0014883, OMIM 617047.
Distal myopathy with posterior leg and anterior hand involvement. Also called: WILLIAMS DISTAL MYOPATHY. Identifiers: Orphanet 63273, MedGen C3279722, MONDO:0013550, OMIM 614065.
Myofibrillar myopathy 5. Also called: FILAMINOPATHY, AUTOSOMAL DOMINANT; Filaminopathy (type). Identifiers: Orphanet 171445, MedGen C1836050, MONDO:0012289, OMIM 609524.
Cardiovascular phenotype. Identifiers: MedGen CN230736.

Allele frequency attached by ClinVar (database versions not stated): gnomAD exomes below 0.00001; ExAC 0.00001; gnomAD 0.00001; TOPMed 0.00001; 1000 Genomes Project 30x 0.00016; 1000 Genomes Project 0.00020.
gnomAD v4.1: 2 of 1,613,192 alleles (0.00012%); highest among the groups gnomAD compares: African/African-American, 0.0027%; no homozygotes.

Submissions (2):

Labcorp Genetics (formerly Invitae), Labcorp
Classification: Likely benign for Distal myopathy with posterior leg and anterior hand involvement; Myofibrillar myopathy 5; Hypertrophic cardiomyopathy 26. Last evaluated: 2025-09-10. Review status: criteria provided, single submitter. Criteria: Invitae Variant Classification Sherloc (09022015). Collection method: clinical testing. Allele origin: germline.

Ambry Genetics
Classification: Uncertain significance for Cardiovascular phenotype. Last evaluated: 2023-09-13. Review status: criteria provided, single submitter. Criteria: Ambry Variant Classification Scheme 2023. Collection method: clinical testing. Allele origin: germline.
Comment: The p.H2000P variant (also known as c.5999A>C), located in coding exon 36 of the FLNC gene, results from an A to C substitution at nucleotide position 5999. The histidine at codon 2000 is replaced by proline, an amino acid with similar properties. This amino acid position is highly conserved in available vertebrate species. In addition, the in silico prediction for this alteration is inconclusive. Since supporting evidence is limited at this time, the clinical significance of this alteration remains unclear.